The following is an entry in ClinVar:

ClinVar aggregate classification (germline): Pathogenic/Likely pathogenic. Review status: criteria provided, multiple submitters, no conflicts (2 of 4 stars). 2 submissions from 2 submitters: Pathogenic (1); Likely pathogenic (1). Last evaluated 2026-02-26.

Conditions:
Developmental and epileptic encephalopathy, 54. Also called: Epileptic encephalopathy, early infantile, 54; HNRNPU-Related Neurodevelopmental Disorder. Identifiers: MedGen C4479319, MONDO:0033363, OMIM 617391.

Submissions (2):

Laboratorio de Genetica e Diagnostico Molecular, Hospital Israelita Albert Einstein
Classification: Pathogenic for Developmental and epileptic encephalopathy, 54. Last evaluated: 2026-02-26. Review status: criteria provided, single submitter. Criteria: ACMG Guidelines, 2015. Collection method: clinical testing. Allele origin: germline. Affected: yes.
Comment: ACMG classification criteria: PVS1 very strong, PS4 supporting, PM2 supporting

HudsonAlpha Institute for Biotechnology
Classification: Likely pathogenic for Developmental and epileptic encephalopathy, 54. Last evaluated: 2015-08-07. Review status: criteria provided, single submitter. Criteria: HA_assertions_20161101. Collection method: research. Allele origin: unknown. Affected: yes. Observed: 1 variant allele. Study: CSER-HudsonAlpha.

NM_031844.3(HNRNPU):c.67C>T (p.Arg23Ter)

Gene: HNRNPU (heterogeneous nuclear ribonucleoprotein U; minus strand). Cytogenetic location: 1q44.
Variant type: single nucleotide variant.
Coding change: c.67C>T on transcript NM_031844.3 (MANE Select); coding-DNA position 67, C replaced by T.
Protein change: p.Arg23Ter; replaces arginine 23 with a stop codon.
Molecular consequence: nonsense.
Genome position (GRCh38, 1-based): chr1:244,864,241, G>A on the plus strand (C>T on the coding strand, the complement: HNRNPU is on the minus strand). VCF-style: chr1-244864241-G-A. GRCh37 (hg19) VCF-style: chr1-245027543-G-A.
Other names: c.67C>T, p.Arg23Ter (NM_004501.3); short protein forms R23*.
Identifiers: ClinVar variation 224141 (VCV000224141.3), dbSNP rs869312701, ClinGen allele CA354931.